The following is an entry in ClinVar:

NM_001365536.1(SCN9A):c.4321A>G (p.Ile1441Val)

Genes: SCN1A-AS1 (SCN1A and SCN9A antisense RNA 1; plus strand), SCN9A (sodium voltage-gated channel alpha subunit 9; minus strand). Cytogenetic location: 2q24.3.
Variant type: single nucleotide variant.
Coding change: c.4321A>G on transcript NM_001365536.1 (MANE Select); coding-DNA position 4321, A replaced by G.
Protein change: p.Ile1441Val; replaces isoleucine 1441 with valine.
Molecular consequence: missense variant.
Genome position (GRCh38, 1-based): chr2:166,226,644, T>C on the plus strand (A>G on the coding strand, the complement: SCN9A is on the minus strand). VCF-style: chr2-166226644-T-C. GRCh37 (hg19) VCF-style: chr2-167083154-T-C.
Other names: c.4288A>G, p.Ile1430Val (NM_002977.4); short protein forms I1430V, I1441V.
Identifiers: ClinVar variation 3761744 (VCV003761744.2).

ClinVar aggregate classification (germline): Uncertain significance (1 of 4 stars; one submission).

Conditions:
Neuropathy, hereditary sensory and autonomic, type 2A (HSAN2A). Also called: HSAN IIA; ACROOSTEOLYSIS, GIACCAI TYPE; ACROOSTEOLYSIS, NEUROGENIC; MORVAN DISEASE; NEUROPATHY, CONGENITAL SENSORY; NEUROPATHY, HEREDITARY SENSORY RADICULAR, AUTOSOMAL RECESSIVE. Identifiers: Orphanet 970, MedGen C2752089, MONDO:0024309, OMIM 201300.
Generalized epilepsy with febrile seizures plus, type 7 (GEFSP7). Also called: GEFS+, TYPE 7. Identifiers: Orphanet 36387, MedGen C2751778, MONDO:0013470, OMIM 613863.

gnomAD v4.1: 9 of 1,589,316 alleles (0.00057%); highest among the groups gnomAD compares: Admixed American, 0.0017%; no homozygotes.

Submission:

Labcorp Genetics (formerly Invitae), Labcorp
Classification: Uncertain significance for Neuropathy, hereditary sensory and autonomic, type 2A; Generalized epilepsy with febrile seizures plus, type 7. Last evaluated: 2026-01-12. Review status: criteria provided, single submitter. Criteria: Invitae Variant Classification Sherloc (09022015). Collection method: clinical testing. Allele origin: germline.
Comment: This sequence change replaces isoleucine, which is neutral and non-polar, with valine, which is neutral and non-polar, at codon 1430 of the SCN9A protein (p.Ile1430Val). The frequency data for this variant in the population databases is considered unreliable, as metrics indicate poor data quality at this position in the gnomAD database. This variant has not been reported in the literature in individuals affected with SCN9A-related conditions. ClinVar contains an entry for this variant (Variation ID: 3761744). Invitae Evidence Modeling of protein sequence and biophysical properties (such as structural, functional, and spatial information, amino acid conservation, physicochemical variation, residue mobility, and thermodynamic stability) indicates that this missense variant is not expected to disrupt SCN9A protein function with a negative predictive value of 95%. In summary, the available evidence is currently insufficient to determine the role of this variant in disease. Therefore, it has been classified as a Variant of Uncertain Significance.